The following is an entry in ClinVar:

NM_001182.5(ALDH7A1):c.914C>G (p.Ala305Gly)

Gene: ALDH7A1 (aldehyde dehydrogenase 7 family member A1; minus strand). Cytogenetic location: 5q23.2.
Variant type: single nucleotide variant.
Coding change: c.914C>G on transcript NM_001182.5 (MANE Select); coding-DNA position 914, C replaced by G.
Protein change: p.Ala305Gly; replaces alanine 305 with glycine.
Molecular consequence: missense variant.
Genome position (GRCh38, 1-based): chr5:126,559,334, G>C on the plus strand (C>G on the coding strand, the complement: ALDH7A1 is on the minus strand). VCF-style: chr5-126559334-G-C. GRCh37 (hg19) VCF-style: chr5-125895026-G-C.
Other names: c.830C>G, p.Ala277Gly (NM_001201377.2); c.914C>G, p.Ala305Gly (NM_001202404.2); short protein forms A305G, A277G.
Identifiers: ClinVar variation 410541 (VCV000410541.12), dbSNP rs141775154, ClinGen allele CA3389583.
Genomic context (GRCh38, chr5:126,559,334, plus strand): 5'-GTTCCCACAGCAGCGAAGAGAGCTGATGGAACAACTAAGCTGAGGTCTGCATCTTCAAAG[G>C]CTTAGGAAAGCACAAACACTTCCATCAGCGAACCAAAACAGGTAGACAAGGTATTTGTTA-3'
Protein context (NP_001173.2, residues 295-315): LELGGNNAII[Ala305Gly]FEDADLSLVV

ClinVar aggregate classification (germline): Uncertain significance. Review status: criteria provided, multiple submitters, no conflicts (2 of 4 stars). 4 submissions from 4 submitters: Uncertain significance (4). Last evaluated 2023-04-11.

Conditions:
Inborn genetic diseases. Identifiers: MedGen C0950123, MeSH D030342.
Pyridoxine-dependent epilepsy (EPEO4). Also called: Pyridoxine-Dependent Epilepsy - ALDH7A1; EPILEPSY, EARLY-ONSET, 4, VITAMIN B6-DEPENDENT; Pyridoxine-Dependent Seizures; PYRIDOXINE DEPENDENCY WITH SEIZURES. Identifiers: Orphanet 3006, MedGen C1849508, MONDO:0009945, OMIM 266100. Disease mechanism: loss of function.

Allele frequency attached by ClinVar (database versions not stated): TOPMed 0.00018; ExAC 0.00007; gnomAD 0.00015 and 0.00019; ESP Exome Variant Server 0.00038; gnomAD exomes 0.00004.
gnomAD v4.1: 44 of 1,613,064 alleles (0.0027%); highest among the groups gnomAD compares: African/African-American, 0.053%; no homozygotes.

Submissions (4):

Genome-Nilou Lab
Classification: Uncertain significance for Pyridoxine-dependent epilepsy. Last evaluated: 2023-04-11. Review status: criteria provided, single submitter. Criteria: ACMG Guidelines, 2015. Collection method: clinical testing. Allele origin: germline. Affected: no.

Labcorp Genetics (formerly Invitae), Labcorp
Classification: Uncertain significance for Pyridoxine-dependent epilepsy. Last evaluated: 2022-08-15. Review status: criteria provided, single submitter. Criteria: Invitae Variant Classification Sherloc (09022015). Collection method: clinical testing. Allele origin: germline.
Comment: This sequence change replaces alanine, which is neutral and non-polar, with glycine, which is neutral and non-polar, at codon 305 of the ALDH7A1 protein (p.Ala305Gly). This variant is present in population databases (rs141775154, gnomAD 0.06%). This variant has not been reported in the literature in individuals affected with ALDH7A1-related conditions. ClinVar contains an entry for this variant (Variation ID: 410541). Algorithms developed to predict the effect of missense changes on protein structure and function are either unavailable or do not agree on the potential impact of this missense change (SIFT: "Deleterious"; PolyPhen-2: "Benign"; Align-GVGD: "Class C0"). In summary, the available evidence is currently insufficient to determine the role of this variant in disease. Therefore, it has been classified as a Variant of Uncertain Significance.

Ambry Genetics
Classification: Uncertain significance for Inborn genetic diseases. Last evaluated: 2021-04-13. Review status: criteria provided, single submitter. Criteria: Ambry Variant Classification Scheme 2023. Collection method: clinical testing. Allele origin: germline.

GeneDx
Classification: Uncertain significance. Last evaluated: 2017-05-03. Review status: criteria provided, single submitter. Criteria: GeneDx Variant Classification (06012015). Collection method: clinical testing. Allele origin: germline. Affected: yes.
Comment: A variant of uncertain significance has been identified in the ALDH7A1 gene. The A305G variant has not been published as a pathogenic variant, nor has it been reported as a benign variant to our knowledge. The A305G variant is observed in 6/10326 (0.06%) alleles from individuals of African background (Lek et al., 2016; 1000 Genomes Consortium et al., 2015; Exome Variant Server). The A305G variant is a conservative amino acid substitution, which is not likely to impact secondary protein structure as these residues share similar properties and this substitution occurs at a position that is not conserved. However, in silico analysis predicts this variant is probably damaging to the protein structure/function. Therefore, based on the currently available information, it is unclear whether this variant is a pathogenic variant or a rare benign variant.